The following is an entry in ClinVar:

ClinVar aggregate classification (germline): Uncertain significance. Review status: criteria provided, multiple submitters, no conflicts (2 of 4 stars). 2 submissions from 2 submitters: Uncertain significance (2). Last evaluated 2025-03-01.

Conditions:
Early-infantile DEE. Also called: Early infantile epileptic encephalopathy with suppression bursts; Ohtahara syndrome; Early infantile epileptic encephalopathy. Identifiers: Orphanet 1934, MedGen C0393706, MONDO:0800491.

Allele frequency attached by ClinVar (database versions not stated): ExAC 0.00001.
gnomAD v4.1: 5 of 1,612,110 alleles (0.00031%); highest among the groups gnomAD compares: South Asian, 0.0011%; no homozygotes.

Submissions (2):

Labcorp Genetics (formerly Invitae), Labcorp
Classification: Uncertain significance for Early-infantile DEE. Last evaluated: 2025-03-01. Review status: criteria provided, single submitter. Criteria: Invitae Variant Classification Sherloc (09022015). Collection method: clinical testing. Allele origin: germline.
Comment: This sequence change replaces alanine, which is neutral and non-polar, with threonine, which is neutral and polar, at codon 850 of the SCN1A protein (p.Ala850Thr). This variant is present in population databases (rs757616558, gnomAD 0.003%). This missense change has been observed in individual(s) with SCN1A-related conditions (PMID: 34712263). This variant is also known as c.2515G>A (p.Ala839Thr). ClinVar contains an entry for this variant (Variation ID: 2147464). Invitae Evidence Modeling of protein sequence and biophysical properties (such as structural, functional, and spatial information, amino acid conservation, physicochemical variation, residue mobility, and thermodynamic stability) has been performed for this missense variant. However, the output from this modeling did not meet the statistical confidence thresholds required to predict the impact of this variant on SCN1A protein function. In summary, the available evidence is currently insufficient to determine the role of this variant in disease. Therefore, it has been classified as a Variant of Uncertain Significance.

Blueprint Genetics
Classification: Uncertain significance. Last evaluated: 2022-11-03. Review status: criteria provided, single submitter. Criteria: ACMG Guidelines, 2015. Collection method: clinical testing. Allele origin: germline.

Literature cited by the submitters: PubMed 34712263 (cited by Labcorp Genetics (formerly Invitae), Labcorp).

NM_001165963.4(SCN1A):c.2548G>A (p.Ala850Thr)

Gene: SCN1A (sodium voltage-gated channel alpha subunit 1; minus strand). Cytogenetic location: 2q24.3.
Variant type: single nucleotide variant.
Coding change: c.2548G>A on transcript NM_001165963.4 (MANE Select); coding-DNA position 2548, G replaced by A.
Protein change: p.Ala850Thr; replaces alanine 850 with threonine.
Molecular consequence: missense variant. On other transcripts: non-coding transcript variant (1).
Genome position (GRCh38, 1-based): chr2:166,039,464, C>T on the plus strand (G>A on the coding strand, the complement: SCN1A is on the minus strand). VCF-style: chr2-166039464-C-T. GRCh37 (hg19) VCF-style: chr2-166895974-C-T.
Other names: c.2464G>A, p.Ala822Thr (NM_001165964.3, NM_001353957.2, NM_001353958.2); c.2548G>A, p.Ala850Thr (NM_001202435.3, NM_001353948.2); c.2515G>A, p.Ala839Thr (NM_001353949.2, NM_001353950.2, NM_001353951.2 and 2 more transcripts); c.2512G>A, p.Ala838Thr (NM_001353954.2, NM_001353955.2); c.2461G>A, p.Ala821Thr (NM_001353960.2); c.106G>A, p.Ala36Thr (NM_001353961.2); short protein forms A36T, A821T, A838T, A822T, A850T, A839T.
Identifiers: ClinVar variation 2147464 (VCV002147464.5), dbSNP rs757616558, ClinGen allele CA1943096.
Genomic context (GRCh38, chr2:166,039,464, plus strand): 5'-TTTTTTTTTTTTTTTTTACCAATCGAAATGAACGGAGAACAGATAATCCTTCCACATTGG[C>T]GAGTCCAAGTTCTACCAGGCTAAGCGTCACAATAAAACCGTCAAAGATATTCCAGCCTTC-3'
Protein context (NP_001159435.1, residues 840-860): VTLSLVELGL[Ala850Thr]NVEGLSVLRS